The following is an entry in ClinVar:

ClinVar aggregate classification (germline): Uncertain significance (1 of 4 stars; one submission).

Conditions:
Cardiovascular phenotype. Identifiers: MedGen CN230736.

gnomAD v4.1: 6 of 1,611,026 alleles (0.00037%); highest among the groups gnomAD compares: Middle Eastern, 0.033%; no homozygotes.

Submission:

Ambry Genetics
Classification: Uncertain significance for Cardiovascular phenotype. Last evaluated: 2022-08-20. Review status: criteria provided, single submitter. Criteria: Ambry Variant Classification Scheme 2023. Collection method: clinical testing. Allele origin: germline.
Comment: The p.P86H variant (also known as c.257C>A), located in coding exon 2 of the LMF1 gene, results from a C to A substitution at nucleotide position 257. The proline at codon 86 is replaced by histidine, an amino acid with similar properties. This amino acid position is conserved. In addition, this alteration is predicted to be deleterious by in silico analysis. Since supporting evidence is limited at this time, the clinical significance of this alteration remains unclear.

NM_022773.4(LMF1):c.257C>A (p.Pro86His)

Gene: LMF1 (lipase maturation factor 1; minus strand). Cytogenetic location: 16p13.3.
Variant type: single nucleotide variant.
Coding change: c.257C>A on transcript NM_022773.4 (MANE Select); coding-DNA position 257, C replaced by A.
Protein change: p.Pro86His; replaces proline 86 with histidine.
Molecular consequence: missense variant. On other transcripts: 5 prime UTR variant (4), non-coding transcript variant (1).
Genome position (GRCh38, 1-based): chr16:954,603, G>T on the plus strand (C>A on the coding strand, the complement: LMF1 is on the minus strand). VCF-style: chr16-954603-G-T. GRCh37 (hg19) VCF-style: chr16-1004603-G-T.
Other names: c.-547C>A (NM_001352017.2); c.-298C>A (NM_001352018.2); c.-71C>A (NM_001352019.2); c.257C>A, p.Pro86His (NM_001352020.1); c.-449C>A (NM_001352021.2); short protein forms P86H.
Identifiers: ClinVar variation 1793348 (VCV001793348.2), dbSNP rs1269525472, ClinGen allele CA394105639.
Genomic context (GRCh38, chr16:954,603, plus strand): 5'-ACTTCCCAGCTCGTCCTGTCCTGGAAGTACTGCTGGAAGTTCTTCAGGAACACTCTGCAG[G>T]GAAGCAGCCCCCTGTCACCGATGAGCTGCTTGTTCTGATGGAAAGCCACCAGGAATGCCA-3'
Protein context (NP_073610.2, residues 76-96): KQLIGDRGLL[Pro86His]CRVFLKNFQQ